The following is an entry in ClinVar:

NM_032638.5(GATA2):c.187C>G (p.Pro63Ala)

Gene: GATA2 (GATA binding protein 2; minus strand). Cytogenetic location: 3q21.3.
Variant type: single nucleotide variant.
Coding change: c.187C>G on transcript NM_032638.5 (MANE Select); coding-DNA position 187, C replaced by G.
Protein change: p.Pro63Ala; replaces proline 63 with alanine.
Molecular consequence: missense variant.
Genome position (GRCh38, 1-based): chr3:128,486,845, G>C on the plus strand (C>G on the coding strand, the complement: GATA2 is on the minus strand). VCF-style: chr3-128486845-G-C. GRCh37 (hg19) VCF-style: chr3-128205688-G-C.
Other names: c.187C>G, p.Pro63Ala (NM_001145661.2, NM_001145662.1); short protein forms P63A.
Identifiers: ClinVar variation 860602 (VCV000860602.8), dbSNP rs1240150433, ClinGen allele CA354408391.

ClinVar aggregate classification (germline): Uncertain significance. Review status: criteria provided, multiple submitters, no conflicts (2 of 4 stars). 2 submissions from 2 submitters: Uncertain significance (2). Last evaluated 2026-05-27.

Conditions:
Inborn genetic diseases. Identifiers: MedGen C0950123, MeSH D030342.
Monocytopenia with susceptibility to infections. Also called: IMMUNODEFICIENCY 21; MONOCYTOPENIA AND MYCOBACTERIAL INFECTION SYNDROME; MONOCYTOPENIA WITH SUSCEPTIBILITY TO MYCOBACTERIAL, FUNGAL, AND PAPILLOMAVIRUS INFECTIONS AND MYELODYSPLASIA; COMBINED IMMUNODEFICIENCY WITH SUSCEPTIBILITY TO MYCOBACTERIAL, VIRAL, AND FUNGAL INFECTIONS; GATA2 DEFICIENCY; Dendritic cell, monocyte, B lymphocyte, and natural killer lymphocyte deficiency. Identifiers: Orphanet 228423, MedGen C3280030, MONDO:0013607, OMIM 614172.
Deafness-lymphedema-leukemia syndrome. Also called: Lymphedema, primary, with myelodysplasia; Emberger syndrome. Identifiers: Orphanet 3226, MedGen C3279664, MONDO:0013540, OMIM 614038.

Allele frequency attached by ClinVar (database versions not stated): TOPMed 0.00001.
gnomAD v4.1: 4 of 1,611,904 alleles (0.00025%); highest among the groups gnomAD compares: East Asian, 0.0045%; no homozygotes.

Submissions (2):

Ambry Genetics
Classification: Uncertain significance for Inborn genetic diseases. Last evaluated: 2026-05-27. Review status: criteria provided, single submitter. Criteria: Ambry Variant Classification Scheme 2023. Collection method: clinical testing. Allele origin: germline.
Comment: The p.P63A variant (also known as c.187C>G), located in coding exon 1 of the GATA2 gene, results from a C to G substitution at nucleotide position 187. The proline at codon 63 is replaced by alanine, an amino acid with highly similar properties. This amino acid position is not well conserved in available vertebrate species. In addition, the in silico prediction for this alteration is inconclusive. Based on the available evidence, the clinical significance of this variant remains unclear.

Labcorp Genetics (formerly Invitae), Labcorp
Classification: Uncertain significance for Monocytopenia with susceptibility to infections; Deafness-lymphedema-leukemia syndrome. Last evaluated: 2025-07-07. Review status: criteria provided, single submitter. Criteria: Invitae Variant Classification Sherloc (09022015). Collection method: clinical testing. Allele origin: germline.
Comment: This sequence change replaces proline, which is neutral and non-polar, with alanine, which is neutral and non-polar, at codon 63 of the GATA2 protein (p.Pro63Ala). This variant is present in population databases (no rsID available, gnomAD 0.006%). This variant has not been reported in the literature in individuals affected with GATA2-related conditions. ClinVar contains an entry for this variant (Variation ID: 860602). Invitae Evidence Modeling of protein sequence and biophysical properties (such as structural, functional, and spatial information, amino acid conservation, physicochemical variation, residue mobility, and thermodynamic stability) indicates that this missense variant is not expected to disrupt GATA2 protein function with a negative predictive value of 95%. In summary, the available evidence is currently insufficient to determine the role of this variant in disease. Therefore, it has been classified as a Variant of Uncertain Significance.